The following is an entry in ClinVar:

ClinVar aggregate classification (germline): Uncertain significance (1 of 4 stars; one submission).

gnomAD v4.1: 2 of 1,614,182 alleles (0.00012%); highest among the groups gnomAD compares: Non-Finnish European, 0.00017%; no homozygotes.

Submission:

GeneDx
Classification: Uncertain significance. Last evaluated: 2024-10-15. Review status: criteria provided, single submitter. Criteria: GeneDx Variant Classification Process June 2021. Collection method: clinical testing. Allele origin: germline. Affected: yes.
Comment: Not observed at significant frequency in large population cohorts (gnomAD); In silico analysis supports that this missense variant has a deleterious effect on protein structure/function; Has not been previously published as pathogenic or benign to our knowledge

NM_006565.4(CTCF):c.890A>G (p.His297Arg)

Gene: CTCF (CCCTC-binding factor; plus strand). Cytogenetic location: 16q22.1.
Variant type: single nucleotide variant.
Coding change: c.890A>G on transcript NM_006565.4 (MANE Select); coding-DNA position 890, A replaced by G.
Protein change: p.His297Arg; replaces histidine 297 with arginine.
Molecular consequence: missense variant. On other transcripts: intron variant (1).
Genome position (GRCh38, 1-based): chr16:67,612,059, A>G. VCF-style: chr16-67612059-A-G. GRCh37 (hg19) VCF-style: chr16-67645962-A-G.
Other names: c.890A>G, p.His297Arg (NM_001363916.2); c.-32-4686A>G (NM_001191022.2); short protein forms H297R.
Identifiers: ClinVar variation 3781200 (VCV003781200.1).